The following is an entry in ClinVar:

ClinVar aggregate classification (germline): Likely pathogenic (1 of 4 stars; one submission).

Conditions:
Cardiovascular phenotype. Identifiers: MedGen CN230736.

Submission:

Ambry Genetics
Classification: Likely pathogenic for Cardiovascular phenotype. Last evaluated: 2025-02-13. Review status: criteria provided, single submitter. Criteria: Ambry Variant Classification Scheme 2023. Collection method: clinical testing. Allele origin: germline.
Comment: The p.G1040R variant (also known as c.3118G>C), located in coding exon 43 of the COL1A1 gene, results from a G to C substitution at nucleotide position 3118. The glycine at codon 1040 is replaced by arginine, an amino acid with dissimilar properties. Another variant(s) at the same codon, p.G1040S (c.3118G>A), has been identified as de novo in an individual with features consistent with COL1A1- related osteogenesis imperfecta/overlap disorder (Caudevilla Lafuente P et al. Med Clin (Barc), 2019 Oct;153:336-337). The majority of pathogenic mutations identified to date in COL1A1 have involved the substitution of another amino acid for glycine within the triple-helical domain (Dagleish R.Nucleic Acids Res.1997 Jan 1;25(1):181-7; Marini JC et al.Hum Mutat.2007 Mar;28(3):209-21; Bardai G et al.Osteoporos Int2016 Dec;27(12):3607-3613). Internal structural analysis indicates that this alteration disrupts the characteristic G-X-Y motif in theCOL1A1protein and inserts a bulky side chain into asterically-constrainedregion (Bella J et al.Science.1994;266:75-81;HohenesterE et al.Proc. Natl.Acad. Sci. U.S.A.2008;105:18273-7; Ambry internal data). This amino acid position is highly conserved in available vertebrate species. In addition, this alteration is predicted to be deleterious by in silico analysis. This variant is considered to be rare based on population cohorts in the Genome Aggregation Database (gnomAD). Based on the majority of available evidence to date, this variant is likely to be pathogenic.

NM_000088.4(COL1A1):c.3118G>C (p.Gly1040Arg)

Gene: COL1A1 (collagen type I alpha 1 chain; minus strand). Cytogenetic location: 17q21.33.
Variant type: single nucleotide variant.
Coding change: c.3118G>C on transcript NM_000088.4 (MANE Select); coding-DNA position 3118, G replaced by C.
Protein change: p.Gly1040Arg; replaces glycine 1040 with arginine.
Molecular consequence: missense variant.
Genome position (GRCh38, 1-based): chr17:50,188,619, C>G on the plus strand (G>C on the coding strand, the complement: COL1A1 is on the minus strand). VCF-style: chr17-50188619-C-G. GRCh37 (hg19) VCF-style: chr17-48265980-C-G.
Other names: short protein forms G1040R.
Identifiers: ClinVar variation 3835085 (VCV003835085.1).